The following is an entry in ClinVar:

NM_000143.4(FH):c.204T>A (p.Tyr68Ter)

Gene: FH (fumarate hydratase; minus strand). Cytogenetic location: 1q43.
Variant type: single nucleotide variant.
Coding change: c.204T>A on transcript NM_000143.4 (MANE Select); coding-DNA position 204, T replaced by A.
Protein change: p.Tyr68Ter; replaces tyrosine 68 with a stop codon.
Molecular consequence: nonsense.
Genome position (GRCh38, 1-based): chr1:241,517,245, A>T on the plus strand (T>A on the coding strand, the complement: FH is on the minus strand). VCF-style: chr1-241517245-A-T. GRCh37 (hg19) VCF-style: chr1-241680545-A-T.
Other names: short protein forms Y68*.
Identifiers: ClinVar variation 405883 (VCV000405883.14), dbSNP rs1060500883, ClinGen allele CA16610089.
Genomic context (GRCh38, chr1:241,517,245, plus strand): 5'-CATGCGTTCTGTCACACCTCCAATCTTAAAGTTCATCGTAGATCTCACGGTCTGGGCGCC[A>T]TAATACTTATCATTTGGCACCTTTAGTTCACCAAAGGTATCATATTCTATCCGGAAGGAA-3'

ClinVar aggregate classification (germline): Pathogenic. Review status: criteria provided, multiple submitters, no conflicts (2 of 4 stars). 3 submissions from 3 submitters: Pathogenic (3). Last evaluated 2023-10-25.

Conditions:
Hereditary cancer-predisposing syndrome. Also called: Neoplastic Syndromes, Hereditary; Hereditary Cancer Syndrome; Hereditary neoplastic syndrome; Tumor predisposition. Identifiers: Orphanet 140162, MedGen C0027672, MeSH D009386, MONDO:0015356.
Hereditary leiomyomatosis and renal cell cancer. Also called: LEIOMYOMA, MULTIPLE CUTANEOUS; MULTIPLE CUTANEOUS AND UTERINE LEIOMYOMATA 1, WITH OR WITHOUT RENAL CELL CARCINOMA; Reed syndrome; Multiple cutaneous and uterine leiomyomatosis; Cutaneous leiomyomata with uterine leiomyomata; Leiomyoma, hereditary multiple, of skin. Identifiers: Orphanet 523, MedGen C1708350, MONDO:0007888, OMIM 150800, HP:0007437. Disease mechanism: loss of function.

Submissions (3):

Myriad Genetics, Inc.
Classification: Pathogenic for Hereditary leiomyomatosis and renal cell cancer. Last evaluated: 2023-10-25. Review status: criteria provided, single submitter. Criteria: Myriad Autosomal Dominant, Autosomal Recessive and X-Linked Classification Criteria (2023). Collection method: clinical testing. Allele origin: unknown.
Comment: This variant is considered pathogenic. This variant creates a termination codon and is predicted to result in premature protein truncation.

Labcorp Genetics (formerly Invitae), Labcorp
Classification: Pathogenic. Last evaluated: 2023-03-18. Review status: criteria provided, single submitter. Criteria: Invitae Variant Classification Sherloc (09022015). Collection method: clinical testing. Allele origin: germline.
Comment: For these reasons, this variant has been classified as Pathogenic. ClinVar contains an entry for this variant (Variation ID: 405883). This premature translational stop signal has been observed in individual(s) with clinical features of hereditary leiomyomatosis and renal cell cancer (PMID: 30741757). This variant is not present in population databases (gnomAD no frequency). This sequence change creates a premature translational stop signal (p.Tyr68*) in the FH gene. It is expected to result in an absent or disrupted protein product. Loss-of-function variants in FH are known to be pathogenic (PMID: 11865300, 21398687).

Ambry Genetics
Classification: Pathogenic for Hereditary cancer-predisposing syndrome. Last evaluated: 2015-11-02. Review status: criteria provided, single submitter. Criteria: Ambry Variant Classification Scheme 2023. Collection method: clinical testing. Allele origin: germline.
Comment: The p.Y68* pathogenic mutation (also known as c.204T>A), located in coding exon 2 of the FH gene, results from a T to A substitution at nucleotide position 204. This changes the amino acid from a tyrosine to a stop codon within coding exon 2. Since premature stop codons are typically deleterious in nature, this alteration is interpreted as a disease-causing mutation (ACMG Recommendations for Standards for Interpretation and Reporting of Sequence Variations. Revision 2007. Genet Med. 2008;10:294).

Literature cited by the submitters: PubMed 30741757 (cited by Labcorp Genetics (formerly Invitae), Labcorp); PubMed 11865300 (cited by Labcorp Genetics (formerly Invitae), Labcorp); PubMed 21398687 (cited by Labcorp Genetics (formerly Invitae), Labcorp).